The following is an entry in ClinVar:

NM_002734.5(PRKAR1A):c.1117T>C (p.Tyr373His)

Gene: PRKAR1A (protein kinase cAMP-dependent type I regulatory subunit alpha; plus strand). Cytogenetic location: 17q24.2.
Variant type: single nucleotide variant.
Coding change: c.1117T>C on transcript NM_002734.5 (MANE Select); coding-DNA position 1117, T replaced by C.
Protein change: p.Tyr373His; replaces tyrosine 373 with histidine.
Molecular consequence: missense variant. On other transcripts: intron variant (1).
Genome position (GRCh38, 1-based): chr17:68,530,420, T>C. VCF-style: chr17-68530420-T-C. GRCh37 (hg19) VCF-style: chr17-66526561-T-C.
Other names: c.1117T>C, p.Tyr373His (NM_001276289.2, NM_001278433.2, NM_001369389.1 and 3 more transcripts); c.973+419T>C (NM_001276290.1); short protein forms Y373H.
Identifiers: ClinVar variation 29908 (VCV000029908.7), dbSNP rs387906693, ClinGen allele CA128744.

ClinVar aggregate classification (germline): Uncertain significance. Review status: criteria provided, single submitter (1 of 4 stars). 2 submissions from 2 submitters: Uncertain significance (1). 1 of the submissions does not count toward it. Last evaluated 2022-08-26.

Conditions:
Acrodysostosis 1 with or without hormone resistance (ACRDYS1). Also called: ACRODYSOSTOSIS 1 WITH HORMONE RESISTANCE; ACRODYSOSTOSIS 1 WITHOUT HORMONE RESISTANCE; ACRODYSOSTOSIS WITH HORMONE RESISTANCE. Identifiers: Orphanet 280651, MedGen C3276228, MONDO:0007044, OMIM 101800.
Carney complex, type 1 (CNC1). Also called: CARNEY MYXOMA-ENDOCRINE COMPLEX; CARNEY COMPLEX, TYPE I. Identifiers: Orphanet 1359, MedGen C2607929, MONDO:0008057, OMIM 160980.

Submissions (2):

Labcorp Genetics (formerly Invitae), Labcorp
Classification: Uncertain significance for Carney complex, type 1. Last evaluated: 2022-08-26. Review status: criteria provided, single submitter. Criteria: Invitae Variant Classification Sherloc (09022015). Collection method: clinical testing. Allele origin: germline.
Comment: Algorithms developed to predict the effect of missense changes on protein structure and function (SIFT, PolyPhen-2, Align-GVGD) all suggest that this variant is likely to be tolerated. In summary, the available evidence is currently insufficient to determine the role of this variant in disease. Therefore, it has been classified as a Variant of Uncertain Significance. ClinVar contains an entry for this variant (Variation ID: 29908). This missense change has been observed in individual(s) with acrodysostosis (PMID: 22464250). In at least one individual the variant was observed to be de novo. This variant is not present in population databases (gnomAD no frequency). This sequence change replaces tyrosine, which is neutral and polar, with histidine, which is basic and polar, at codon 373 of the PRKAR1A protein (p.Tyr373His).

OMIM
Classification: Pathogenic for ACRODYSOSTOSIS 1 WITH HORMONE RESISTANCE. Last evaluated: 2012-04-06. Review status: no assertion criteria provided. Collection method: literature only. Allele origin: germline. Not counted in ClinVar's aggregate classification.

Literature cited by the submitters: PubMed 22464250 (cited by Labcorp Genetics (formerly Invitae), Labcorp and OMIM).